The following is an entry in ClinVar:

NM_018557.3(LRP1B):c.3072C>A (p.Ala1024=)

Gene: LRP1B (LDL receptor related protein 1B; minus strand). Cytogenetic location: 2q22.1.
Variant type: single nucleotide variant.
Coding change: c.3072C>A on transcript NM_018557.3 (MANE Select); coding-DNA position 3072, C replaced by A.
Protein change: p.Ala1024=; no amino-acid change (alanine 1024 retained).
Molecular consequence: synonymous variant.
Genome position (GRCh38, 1-based): chr2:140,950,299, G>T on the plus strand (C>A on the coding strand, the complement: LRP1B is on the minus strand). VCF-style: chr2-140950299-G-T. GRCh37 (hg19) VCF-style: chr2-141707868-G-T.
Other names: NC_000002.11:g.141707868G>T.
Identifiers: ClinVar variation 3059387 (VCV003059387.3), dbSNP rs6748626, ClinGen allele CA1895517.
Genomic context (GRCh38, chr2:140,950,299, plus strand): 5'-TTTAGTACAATTGATCTGGGCTTCATCACTGAAGTCCCCACAGTCATTGTCACCATCACA[G>T]GCCCAGTGGCCTGGGATGCATCTGCCACTGGAACATCTGAACTGATTATCAAAGCAAGAG-3'
Protein context (NP_061027.2, residues 1014-1034): SSGRCIPGHW[Ala1024=]CDGDNDCGDF

ClinVar aggregate classification (germline): Benign (0 of 4 stars; one submission).

Conditions:
LRP1B-related disorder. Also called: LRP1B-related condition.

Allele frequency attached by ClinVar (database versions not stated): ExAC 0.17612; gnomAD 0.21714; ESP Exome Variant Server 0.22320; TOPMed 0.24256; 1000 Genomes Project 0.27576; 1000 Genomes Project 30x 0.27623.
gnomAD v4.1: 245,485 of 1,611,778 alleles (15%); highest among the groups gnomAD compares: African/African-American, 40%; 22,862 homozygotes.

Submissions (5):

PreventionGenetics, part of Exact Sciences
Classification: Benign for LRP1B-related condition. Last evaluated: 2019-10-22. Review status: no assertion criteria provided. Collection method: clinical testing. Allele origin: germline.
Comment: This variant is classified as benign based on ACMG/AMP sequence variant interpretation guidelines (Richards et al. 2015 PMID: 25741868, with internal and published modifications).

Dr. Peter K. Rogan Lab, Western University
No classification provided (evidence only). Condition: Malignant lymphoma, large B-cell, diffuse. Review status: no classification provided. Collection method: in vitro. Allele origin: not applicable. Functional consequence: retained intron. Not counted in ClinVar's aggregate classification.

Dr. Peter K. Rogan Lab, Western University
No classification provided (evidence only). Condition: Uterine carcinosarcoma. Review status: no classification provided. Collection method: in vitro. Allele origin: not applicable. Functional consequence: retained intron. Not counted in ClinVar's aggregate classification.

Dr. Peter K. Rogan Lab, Western University
No classification provided (evidence only). Condition: Uterine carcinosarcoma. Review status: no classification provided. Collection method: in vitro. Allele origin: not applicable. Functional consequence: retained intron. Not counted in ClinVar's aggregate classification.

Dr. Peter K. Rogan Lab, Western University
No classification provided (evidence only). Condition: Uterine carcinosarcoma. Review status: no classification provided. Collection method: in vitro. Allele origin: not applicable. Functional consequence: retained intron. Not counted in ClinVar's aggregate classification.